The following is an entry in ClinVar:

NM_000372.5(TYR):c.551C>G (p.Ser184Ter)

Gene: TYR (tyrosinase; plus strand). Cytogenetic location: 11q14.3.
Variant type: single nucleotide variant.
Coding change: c.551C>G on transcript NM_000372.5 (MANE Select); coding-DNA position 551, C replaced by G.
Protein change: p.Ser184Ter; replaces serine 184 with a stop codon.
Molecular consequence: nonsense.
Genome position (GRCh38, 1-based): chr11:89,178,504, C>G. VCF-style: chr11-89178504-C-G. GRCh37 (hg19) VCF-style: chr11-88911672-C-G.
Other names: short protein forms S184*.
Identifiers: ClinVar variation 144105 (VCV000144105.3), dbSNP rs367543066, ClinGen allele CA270636.

ClinVar aggregate classification (germline): Pathogenic. Review status: criteria provided, single submitter (1 of 4 stars). 2 submissions from 2 submitters: Pathogenic (1). 1 of the submissions does not count toward it. Last evaluated 2024-02-03.

Conditions:
Oculocutaneous albinism type 1A (OCA1A). Also called: Albinism, oculocutaneous, type IA. Identifiers: Orphanet 352731, Orphanet 79431, MedGen C4551504, MONDO:0008745, OMIM 203100. Disease mechanism: loss of function.
Oculocutaneous albinism type 1B (OCA1B). Also called: ALBINISM, OCULOCUTANEOUS, TYPE IB; ALBINISM, YELLOW MUTANT TYPE; YELLOW ALBINISM. Identifiers: Orphanet 352731, Orphanet 352737, Orphanet 79434, MedGen C1847024, MONDO:0011749, OMIM 606952.
SKIN/HAIR/EYE PIGMENTATION 3, LIGHT/DARK SKIN (SHEP3). Also called: SKIN/HAIR/EYE PIGMENTATION, VARIATION IN, 3; EYE COLOR 1; EYE COLOR, GREEN/BLUE; SKIN/HAIR/EYE PIGMENTATION 3, BLUE/GREEN EYE COLOR; SKIN/HAIR/EYE PIGMENTATION 3, FRECKLING. Identifiers: MedGen C2677190, OMIM 601800.

Allele frequency attached by ClinVar (database versions not stated): gnomAD exomes below 0.00001; gnomAD 0.00001.
gnomAD v4.1: 2 of 1,614,006 alleles (0.00012%); highest among the groups gnomAD compares: Admixed American, 0.0017%; no homozygotes.

Submissions (2):

Baylor Genetics
Classification: Pathogenic for SKIN/HAIR/EYE PIGMENTATION 3, LIGHT/DARK SKIN. Last evaluated: 2024-02-03. Review status: criteria provided, single submitter. Criteria: ACMG Guidelines, 2015. Collection method: clinical testing. Allele origin: unknown.

Laboratorio de Genetica Humana; Universidad de los Andes
Classification: Likely pathogenic for Oculocutaneous albinism type 1A; Oculocutaneous albinism type 1B. Review status: no assertion criteria provided. Collection method: not provided. Allele origin: inherited. Not counted in ClinVar's aggregate classification.
Comment: It was found in two unrelated individuals. One individual with typical features of OCA1A and other individual with features of OCA1B. Both were heterozygous for the mutation.
ClinVar note: Converted during submission from probable-pathogenic to Likely pathogenic.